The following is an entry in ClinVar:

NM_000540.3(RYR1):c.9891C>T (p.Pro3297=)

Gene: RYR1 (ryanodine receptor 1; plus strand). Cytogenetic location: 19q13.2.
Variant type: single nucleotide variant.
Coding change: c.9891C>T on transcript NM_000540.3 (MANE Select); coding-DNA position 9891, C replaced by T.
Protein change: p.Pro3297=; no amino-acid change (proline 3297 retained).
Molecular consequence: synonymous variant.
Genome position (GRCh38, 1-based): chr19:38,517,564, C>T. VCF-style: chr19-38517564-C-T. GRCh37 (hg19) VCF-style: chr19-39008204-C-T.
Other names: c.9891C>T (NM_000540.2); c.9891C>T, p.Pro3297= (NM_001042723.2).
Identifiers: ClinVar variation 1160110 (VCV001160110.11), dbSNP rs764839238, ClinGen allele CA074288.

ClinVar aggregate classification (germline): Likely benign. Review status: criteria provided, multiple submitters, no conflicts (2 of 4 stars). 3 submissions from 3 submitters: Likely benign (2). 1 of the submissions does not count toward it. Last evaluated 2025-08-31.

Conditions:
Malignant hyperthermia, susceptibility to, 1 (MHS1). Also called: RYR1-Related Malignant Hyperthermia Susceptibility; Anesthesia related hyperthermia; Malignant hyperpyrexia; Fulminating hyperpyrexia; Pharmacogenic myopathy; Malignant hyperthermia suceptibility 1. Identifiers: Orphanet 423, MedGen C2930980, MONDO:0007783, OMIM 145600.
RYR1-related disorder. Also called: RYR1-related disorders; RYR1-related condition. Identifiers: MedGen CN239331.

Allele frequency attached by ClinVar (database versions not stated): gnomAD 0.00002; TOPMed 0.00008.
gnomAD v4.1: 30 of 1,613,718 alleles (0.0019%); highest among the groups gnomAD compares: Admixed American, 0.017%; no homozygotes.

Submissions (3):

Labcorp Genetics (formerly Invitae), Labcorp
Classification: Likely benign for RYR1-related disorder. Last evaluated: 2025-08-31. Review status: criteria provided, single submitter. Criteria: Invitae Variant Classification Sherloc (09022015). Collection method: clinical testing. Allele origin: germline.

Color Diagnostics, LLC DBA Color Health
Classification: Likely benign for Malignant hyperthermia, susceptibility to, 1. Last evaluated: 2022-11-06. Review status: criteria provided, single submitter. Criteria: ACMG Guidelines, 2015. Collection method: clinical testing. Allele origin: germline.

PreventionGenetics, part of Exact Sciences
Classification: Likely benign for RYR1-related condition. Last evaluated: 2021-03-23. Review status: no assertion criteria provided. Collection method: clinical testing. Allele origin: germline. Not counted in ClinVar's aggregate classification.
Comment: This variant is classified as likely benign based on ACMG/AMP sequence variant interpretation guidelines (Richards et al. 2015 PMID: 25741868, with internal and published modifications).